The following is an entry in ClinVar:

ClinVar aggregate classification (germline): Uncertain significance. Review status: criteria provided, multiple submitters, no conflicts (2 of 4 stars). 3 submissions from 3 submitters: Uncertain significance (2). 1 of the submissions does not count toward it. Last evaluated 2024-02-24.

Conditions:
Hereditary cancer-predisposing syndrome. Also called: Neoplastic Syndromes, Hereditary; Tumor predisposition; Hereditary neoplastic syndrome; Hereditary Cancer Syndrome. Identifiers: Orphanet 140162, MedGen C0027672, MeSH D009386, MONDO:0015356.
Prostate cancer, hereditary, 1 (HPC1). Identifiers: Orphanet 1331, MedGen C4722327, MONDO:0011098, OMIM 601518.

Submissions (3):

Ambry Genetics
Classification: Uncertain significance for Hereditary cancer-predisposing syndrome. Last evaluated: 2024-02-24. Review status: criteria provided, single submitter. Criteria: Ambry Variant Classification Scheme 2023. Collection method: clinical testing. Allele origin: germline.
Comment: The p.E119K variant (also known as c.355G>A), located in coding exon 1 of the HOXB13 gene, results from a G to A substitution at nucleotide position 355. The glutamic acid at codon 119 is replaced by lysine, an amino acid with similar properties. This amino acid position is conserved. In addition, this alteration is predicted to be tolerated by in silico analysis. Based on the available evidence, the clinical significance of this alteration remains unclear.

Labcorp Genetics (formerly Invitae), Labcorp
Classification: Uncertain significance. Last evaluated: 2020-08-18. Review status: criteria provided, single submitter. Criteria: Invitae Variant Classification Sherloc (09022015). Collection method: clinical testing. Allele origin: germline.
Comment: This sequence change replaces glutamic acid with lysine at codon 119 of the HOXB13 protein (p.Glu119Lys). The glutamic acid residue is moderately conserved and there is a small physicochemical difference between glutamic acid and lysine. This variant is not present in population databases (ExAC no frequency). This variant has not been reported in the literature in individuals with HOXB13-related conditions. ClinVar contains an entry for this variant (Variation ID: 690722). Algorithms developed to predict the effect of missense changes on protein structure and function are either unavailable or do not agree on the potential impact of this missense change (SIFT: "Tolerated"; PolyPhen-2: "Possibly Damaging"; Align-GVGD: "Class C0"). In summary, the available evidence is currently insufficient to determine the role of this variant in disease. Therefore, it has been classified as a Variant of Uncertain Significance.

Laboratory of Virology, Microbiology,  Quality and Medical Biotechnologies, Faculty of Sciences and Techniques - Mohammedia, Hassan II University of Casablanca
Classification: Uncertain significance for Prostate cancer, hereditary, 1. Review status: no assertion criteria provided. Collection method: clinical testing. Allele origin: somatic. Affected: yes. Not counted in ClinVar's aggregate classification.

NM_006361.6(HOXB13):c.355G>A (p.Glu119Lys)

Gene: HOXB13 (homeobox B13; minus strand). Cytogenetic location: 17q21.32.
Variant type: single nucleotide variant.
Coding change: c.355G>A on transcript NM_006361.6 (MANE Select); coding-DNA position 355, G replaced by A.
Protein change: p.Glu119Lys; replaces glutamic acid 119 with lysine.
Molecular consequence: missense variant.
Genome position (GRCh38, 1-based): chr17:48,728,239, C>T on the plus strand (G>A on the coding strand, the complement: HOXB13 is on the minus strand). VCF-style: chr17-48728239-C-T. GRCh37 (hg19) VCF-style: chr17-46805601-C-T.
Other names: short protein forms E119K.
Identifiers: ClinVar variation 690722 (VCV000690722.11), dbSNP rs1597934381, ClinGen allele CA400107636.
Genomic context (GRCh38, chr17:48,728,239, plus strand): 5'-GCTGGTAGGTTCCCGGATATCCCGGATAGAAGGCAAACTCAGTGGGGCGGCTGGGGTACT[C>T]TTCCCCGGCCGTGGGAGTCTCCGCGGGGTACGCGGCCAGGGTGGCTGCCTGGGCACAGGG-3'
Protein context (NP_006352.2, residues 109-129): YPAETPTAGE[Glu119Lys]YPSRPTEFAF